The following is an entry in ClinVar:

NM_014014.5(SNRNP200):c.3860G>A (p.Arg1287Gln)

Gene: SNRNP200 (small nuclear ribonucleoprotein U5 subunit 200; minus strand). Cytogenetic location: 2q11.2.
Variant type: single nucleotide variant.
Coding change: c.3860G>A on transcript NM_014014.5 (MANE Select); coding-DNA position 3860, G replaced by A.
Protein change: p.Arg1287Gln; replaces arginine 1287 with glutamine.
Molecular consequence: missense variant.
Genome position (GRCh38, 1-based): chr2:96,286,454, C>T on the plus strand (G>A on the coding strand, the complement: SNRNP200 is on the minus strand). VCF-style: chr2-96286454-C-T. GRCh37 (hg19) VCF-style: chr2-96952192-C-T.
Other names: short protein forms R1287Q.
Identifiers: ClinVar variation 1027129 (VCV001027129.9), dbSNP rs1482554317, ClinGen allele CA347670985.

ClinVar aggregate classification (germline): Uncertain significance. Review status: criteria provided, multiple submitters, no conflicts (2 of 4 stars). 2 submissions from 2 submitters: Uncertain significance (2). Last evaluated 2022-03-29.

Allele frequency attached by ClinVar (database versions not stated): gnomAD exomes below 0.00001.
gnomAD v4.1: 8 of 1,614,078 alleles (0.0005%); highest among the groups gnomAD compares: South Asian, 0.0011%; no homozygotes.

Submissions (2):

Labcorp Genetics (formerly Invitae), Labcorp
Classification: Uncertain significance. Last evaluated: 2022-03-29. Review status: criteria provided, single submitter. Criteria: Invitae Variant Classification Sherloc (09022015). Collection method: clinical testing. Allele origin: germline.
Comment: This sequence change replaces arginine, which is basic and polar, with glutamine, which is neutral and polar, at codon 1287 of the SNRNP200 protein (p.Arg1287Gln). This variant is present in population databases (no rsID available, gnomAD 0.0009%). This variant has not been reported in the literature in individuals affected with SNRNP200-related conditions. ClinVar contains an entry for this variant (Variation ID: 1027129). Algorithms developed to predict the effect of missense changes on protein structure and function are either unavailable or do not agree on the potential impact of this missense change (SIFT: "Tolerated"; PolyPhen-2: "Possibly Damaging"; Align-GVGD: "Class C0"). Algorithms developed to predict the effect of sequence changes on RNA splicing suggest that this variant may create or strengthen a splice site. In summary, the available evidence is currently insufficient to determine the role of this variant in disease. Therefore, it has been classified as a Variant of Uncertain Significance.

Blueprint Genetics
Classification: Uncertain significance. Last evaluated: 2019-07-17. Review status: criteria provided, single submitter. Criteria: ACMG Guidelines, 2015. Collection method: clinical testing. Allele origin: germline.